The following is an entry in ClinVar:

ClinVar aggregate classification (germline): Conflicting classifications of pathogenicity. Review status: criteria provided, conflicting classifications (1 of 4 stars). 5 submissions from 5 submitters: Uncertain significance (1); Likely benign (3). 1 of the submissions does not count toward it. Last evaluated 2025-12-30.

Conditions:
Idiopathic Pulmonary Fibrosis. Also called: Idiopathic fibrosing alveolitis, chronic form; idiopathic fibrosing alveolitis. Identifiers: Orphanet 2032, MedGen C1800706, MeSH D054990, MONDO:0800504.
Dyskeratosis congenita, autosomal dominant 2. Identifiers: MedGen C3151443, MONDO:0013521, OMIM 613989.
TERT-related disorder. Also called: TERT-related disorders; TERT-related condition.
Dyskeratosis congenita. Identifiers: Orphanet 1775, MedGen C0265965, MONDO:0015780.

Allele frequency attached by ClinVar (database versions not stated): gnomAD 0.00003; gnomAD exomes 0.00003 and 0.00005; TOPMed 0.00003; ESP Exome Variant Server 0.00008.
gnomAD v4.1: 79 of 1,611,784 alleles (0.0049%); highest among the groups gnomAD compares: Non-Finnish European, 0.0064%; no homozygotes.

Submissions (5):

Labcorp Genetics (formerly Invitae), Labcorp
Classification: Likely benign for Dyskeratosis congenita, autosomal dominant 2; Idiopathic Pulmonary Fibrosis. Last evaluated: 2025-12-30. Review status: criteria provided, single submitter. Criteria: Invitae Variant Classification Sherloc (09022015). Collection method: clinical testing. Allele origin: germline.

CeGaT Center for Human Genetics Tuebingen
Classification: Likely benign. Last evaluated: 2022-08-01. Review status: criteria provided, single submitter. Criteria: CeGaT Center For Human Genetics Tuebingen Variant Classification Criteria Version 2. Collection method: clinical testing. Allele origin: germline. Affected: yes. Observed: 1 variant allele.
Comment: TERT: BP4, BP7

Ambry Genetics
Classification: Likely benign for Dyskeratosis congenita. Last evaluated: 2022-02-18. Review status: criteria provided, single submitter. Criteria: Ambry Variant Classification Scheme 2023. Collection method: clinical testing. Allele origin: germline.

Genetic Services Laboratory, University of Chicago
Classification: Uncertain significance. Last evaluated: 2016-10-04. Review status: criteria provided, single submitter. Criteria: ACMG Guidelines, 2015. Collection method: clinical testing. Allele origin: germline. Affected: no.

PreventionGenetics, part of Exact Sciences
Classification: Likely benign for TERT-related condition. Last evaluated: 2023-01-11. Review status: no assertion criteria provided. Collection method: clinical testing. Allele origin: germline. Not counted in ClinVar's aggregate classification.
Comment: This variant is classified as likely benign based on ACMG/AMP sequence variant interpretation guidelines (Richards et al. 2015 PMID: 25741868, with internal and published modifications).

NM_198253.3(TERT):c.2301A>G (p.Thr767=)

Gene: TERT (telomerase reverse transcriptase; minus strand). Cytogenetic location: 5p15.33.
Variant type: single nucleotide variant.
Coding change: c.2301A>G on transcript NM_198253.3 (MANE Select); coding-DNA position 2301, A replaced by G.
Protein change: p.Thr767=; no amino-acid change (threonine 767 retained).
Molecular consequence: synonymous variant.
Genome position (GRCh38, 1-based): chr5:1,272,266, T>C on the plus strand (A>G on the coding strand, the complement: TERT is on the minus strand). VCF-style: chr5-1272266-T-C. GRCh37 (hg19) VCF-style: chr5-1272381-T-C.
Other names: c.2301A>G, p.Thr767= (NM_001193376.3).
Identifiers: ClinVar variation 436978 (VCV000436978.43), dbSNP rs374592280, ClinGen allele CA112944751.